The following is an entry in ClinVar:

NM_170707.4(LMNA):c.728A>T (p.Asp243Val)

Gene: LMNA (lamin A/C; plus strand). Cytogenetic location: 1q22.
Variant type: single nucleotide variant.
Coding change: c.728A>T on transcript NM_170707.4 (MANE Select); coding-DNA position 728, A replaced by T.
Protein change: p.Asp243Val; replaces aspartic acid 243 with valine.
Molecular consequence: missense variant.
Genome position (GRCh38, 1-based): chr1:156,134,893, A>T. VCF-style: chr1-156134893-A-T. GRCh37 (hg19) VCF-style: chr1-156104684-A-T.
Other names: c.392A>T, p.Asp131Val (NM_001257374.3); c.485A>T, p.Asp162Val (NM_001282624.2); c.728A>T, p.Asp243Val (NM_001282625.2, NM_001282626.2, NM_005572.4 and 1 more transcripts); short protein forms D162V, D131V, D243V.
Identifiers: ClinVar variation 948747 (VCV000948747.7), dbSNP rs1572359925, ClinGen allele CA342817282.

ClinVar aggregate classification (germline): Uncertain significance (1 of 4 stars; one submission).

Conditions:
Charcot-Marie-Tooth disease type 2. Also called: Charcot-Marie-Tooth type 2. Identifiers: Orphanet 64746, MedGen C0270914, MONDO:0018993.

Submission:

Labcorp Genetics (formerly Invitae), Labcorp
Classification: Uncertain significance for Charcot-Marie-Tooth disease type 2. Last evaluated: 2021-11-30. Review status: criteria provided, single submitter. Criteria: Invitae Variant Classification Sherloc (09022015). Collection method: clinical testing. Allele origin: germline.
Comment: This variant has not been reported in the literature in individuals affected with LMNA-related conditions. In summary, the available evidence is currently insufficient to determine the role of this variant in disease. Therefore, it has been classified as a Variant of Uncertain Significance. Algorithms developed to predict the effect of missense changes on protein structure and function are either unavailable or do not agree on the potential impact of this missense change (SIFT: "Deleterious"; PolyPhen-2: "Benign"; Align-GVGD: "Class C65"). ClinVar contains an entry for this variant (Variation ID: 948747). This variant is not present in population databases (gnomAD no frequency). This sequence change replaces aspartic acid, which is acidic and polar, with valine, which is neutral and non-polar, at codon 243 of the LMNA protein (p.Asp243Val).